The following is an entry in ClinVar:

NM_003265.3(TLR3):c.2228G>A (p.Gly743Asp)

Gene: TLR3 (toll like receptor 3; plus strand). Cytogenetic location: 4q35.1.
Variant type: single nucleotide variant.
Coding change: c.2228G>A on transcript NM_003265.3 (MANE Select); coding-DNA position 2228, G replaced by A.
Protein change: p.Gly743Asp; replaces glycine 743 with aspartic acid.
Molecular consequence: missense variant.
Genome position (GRCh38, 1-based): chr4:186,083,914, G>A. VCF-style: chr4-186083914-G-A. GRCh37 (hg19) VCF-style: chr4-187005068-G-A.
Other names: short protein forms G743D.
Identifiers: ClinVar variation 496586 (VCV000496586.7), dbSNP rs1280549921, ClinGen allele CA358935731.

ClinVar aggregate classification (germline): Uncertain significance (1 of 4 stars; one submission).

Conditions:
Encephalopathy, acute, infection-induced (herpes-specific), susceptibility to, 1. Also called: Herpes simplex encephalitis, susceptibility to, 1. Identifiers: Orphanet 1930, MedGen C2750180, MONDO:0024563, OMIM 610551.

Allele frequency attached by ClinVar (database versions not stated): gnomAD exomes below 0.00001; gnomAD 0.00001.
gnomAD v4.1: 3 of 1,614,036 alleles (0.00019%); highest among the groups gnomAD compares: East Asian, 0.0045%; no homozygotes.

Submission:

Labcorp Genetics (formerly Invitae), Labcorp
Classification: Uncertain significance for Encephalopathy, acute, infection-induced (herpes-specific), susceptibility to, 1. Last evaluated: 2022-07-06. Review status: criteria provided, single submitter. Criteria: Invitae Variant Classification Sherloc (09022015). Collection method: clinical testing. Allele origin: germline.
Comment: This missense change has been observed in individual(s) with herpes simplex encephalitis (HSE) (PMID: 25339207). In summary, the available evidence is currently insufficient to determine the role of this variant in disease. Therefore, it has been classified as a Variant of Uncertain Significance. Experimental studies have shown that this missense change affects TLR3 function (PMID: 25339207). Algorithms developed to predict the effect of missense changes on protein structure and function are either unavailable or do not agree on the potential impact of this missense change (SIFT: "Tolerated"; PolyPhen-2: "Possibly Damaging"; Align-GVGD: "Class C0"). ClinVar contains an entry for this variant (Variation ID: 496586). This variant is present in population databases (no rsID available, gnomAD 0.01%). This sequence change replaces glycine, which is neutral and non-polar, with aspartic acid, which is acidic and polar, at codon 743 of the TLR3 protein (p.Gly743Asp).

Literature cited by the submitters: PubMed 25339207.